The following is an entry in ClinVar:

ClinVar aggregate classification (germline): Benign. Review status: criteria provided, multiple submitters, no conflicts (2 of 4 stars). 6 submissions from 6 submitters: Benign (6). Last evaluated 2026-02-04.

Conditions:
Frank-Ter Haar syndrome. Also called: Borrone di Rocco Crovato syndrome; TER HAAR SYNDROME; MELNICK-NEEDLES SYNDROME, AUTOSOMAL RECESSIVE; BORRONE DERMATOCARDIOSKELETAL SYNDROME. Identifiers: Orphanet 1266, Orphanet 137834, MedGen C1855305, MONDO:0009579, OMIM 249420.

Allele frequency attached by ClinVar (database versions not stated): gnomAD exomes 0.69694 and 0.73195; ESP Exome Variant Server 0.72351; gnomAD 0.73618 and 0.73909; ExAC 0.74129; TOPMed 0.74342; 1000 Genomes Project 30x 0.78107; 1000 Genomes Project 0.78275.
gnomAD v4.1: 1,131,173 of 1,611,944 alleles (70%); highest among the groups gnomAD compares: South Asian, 86%; 399,847 homozygotes.

Submissions (8):

Labcorp Genetics (formerly Invitae), Labcorp
Classification: Benign. Last evaluated: 2026-02-04. Review status: criteria provided, single submitter. Criteria: Invitae Variant Classification Sherloc (09022015). Collection method: clinical testing. Allele origin: germline.

Blueprint Genetics
Classification: Benign. Last evaluated: 2024-11-26. Review status: criteria provided, single submitter. Criteria: ACMG Guidelines, 2015. Collection method: clinical testing. Allele origin: germline.

Genome-Nilou Lab
Classification: Benign for Frank-Ter Haar syndrome. Last evaluated: 2021-07-15. Review status: criteria provided, single submitter. Criteria: ACMG Guidelines, 2015. Collection method: clinical testing. Allele origin: germline. Affected: no.

GeneDx
Classification: Benign. Last evaluated: 2018-04-19. Review status: criteria provided, single submitter. Criteria: GeneDx Variant Classification (06012015). Collection method: clinical testing. Allele origin: germline. Affected: yes.
Comment: This variant is considered likely benign or benign based on one or more of the following criteria: it is a conservative change, it occurs at a poorly conserved position in the protein, it is predicted to be benign by multiple in silico algorithms, and/or has population frequency not consistent with disease.

Illumina Laboratory Services, Illumina
Classification: Benign for Frank-Ter Haar syndrome. Last evaluated: 2018-01-12. Review status: criteria provided, single submitter. Criteria: ICSL Variant Classification Criteria 13 December 2019. Collection method: clinical testing. Allele origin: germline.
Comment: This variant was observed in the ICSL laboratory as part of a predisposition screen in an ostensibly healthy population. It had not been previously curated by ICSL or reported in the Human Gene Mutation Database (HGMD: prior to June 1st, 2018), and was therefore a candidate for classification through an automated scoring system. Utilizing variant allele frequency, disease prevalence and penetrance estimates, and inheritance mode, an automated score was calculated to assess if this variant is too frequent to cause the disease. Based on the score and internal cut-off values, a variant classified as benign is not then subjected to further curation. The score for this variant resulted in a classification of benign for this disease.

PreventionGenetics, part of Exact Sciences
Classification: Benign. Review status: criteria provided, single submitter. Criteria: ACMG Guidelines, 2015. Collection method: clinical testing. Allele origin: germline.

Dr. Peter K. Rogan Lab, Western University
No classification provided (evidence only). Condition: Hepatocellular carcinoma. Review status: no classification provided. Collection method: in vitro. Allele origin: not applicable. Functional consequence: retained intron. Not counted in ClinVar's aggregate classification.

Dr. Peter K. Rogan Lab, Western University
No classification provided (evidence only). Condition: Hepatocellular carcinoma. Review status: no classification provided. Collection method: in vitro. Allele origin: not applicable. Functional consequence: retained intron. Not counted in ClinVar's aggregate classification.

NM_001017995.3(SH3PXD2B):c.563-11T>C

Gene: SH3PXD2B (SH3 and PX domains 2B; minus strand). Cytogenetic location: 5q35.1.
Variant type: single nucleotide variant.
Coding change: c.563-11T>C on transcript NM_001017995.3 (MANE Select); 11 bases into the intron before coding-DNA position 563, T replaced by C.
Molecular consequence: intron variant.
Genome position (GRCh38, 1-based): chr5:172,358,888, A>G on the plus strand (T>C on the coding strand, the complement: SH3PXD2B is on the minus strand). VCF-style: chr5-172358888-A-G. GRCh37 (hg19) VCF-style: chr5-171785892-A-G.
Other names: c.563-11T>C (NM_001308175.2).
Identifiers: ClinVar variation 257058 (VCV000257058.17), dbSNP rs2569232, ClinGen allele CA3561490.
Genomic context (GRCh38, chr5:172,358,888, plus strand): 5'-CGTTGCAGGGACCCAGCCTTGCTCCTCGGCAGTGCTGACGAACCACCAACCTGGGGAAGC[A>G]AGAGTGCAGAATGATGTTAGTTGCATCAAGCATGAGGCCGGGGGTCAGAACATAATAATC-3'